The following is an entry in ClinVar:

ClinVar aggregate classification (germline): Uncertain significance (1 of 4 stars; one submission).

Conditions:
Early-infantile DEE. Also called: Early infantile epileptic encephalopathy; Early infantile epileptic encephalopathy with suppression bursts; Ohtahara syndrome. Identifiers: Orphanet 1934, MedGen C0393706, MONDO:0800491.

Allele frequency attached by ClinVar (database versions not stated): gnomAD exomes below 0.00001 and 0.00001; ExAC 0.00001.
gnomAD v4.1: 3 of 1,327,966 alleles (0.00023%); highest among the groups gnomAD compares: Admixed American, 0.0043%; no homozygotes.

Submission:

Labcorp Genetics (formerly Invitae), Labcorp
Classification: Uncertain significance for Early-infantile DEE. Last evaluated: 2025-01-06. Review status: criteria provided, single submitter. Criteria: Invitae Variant Classification Sherloc (09022015). Collection method: clinical testing. Allele origin: germline.
Comment: This sequence change replaces proline, which is neutral and non-polar, with leucine, which is neutral and non-polar, at codon 11 of the ARHGEF15 protein (p.Pro11Leu). The frequency data for this variant in the population databases is considered unreliable, as metrics indicate poor data quality at this position in the gnomAD database. This variant has not been reported in the literature in individuals affected with ARHGEF15-related conditions. ClinVar contains an entry for this variant (Variation ID: 1398951). An algorithm developed to predict the effect of missense changes on protein structure and function (PolyPhen-2) suggests that this variant is likely to be disruptive. In summary, the available evidence is currently insufficient to determine the role of this variant in disease. Therefore, it has been classified as a Variant of Uncertain Significance.

NM_173728.4(ARHGEF15):c.32C>T (p.Pro11Leu)

Gene: ARHGEF15 (Rho guanine nucleotide exchange factor 15; plus strand). Cytogenetic location: 17p13.1.
Variant type: single nucleotide variant.
Coding change: c.32C>T on transcript NM_173728.4 (MANE Select); coding-DNA position 32, C replaced by T.
Protein change: p.Pro11Leu; replaces proline 11 with leucine.
Molecular consequence: missense variant.
Genome position (GRCh38, 1-based): chr17:8,312,071, C>T. VCF-style: chr17-8312071-C-T. GRCh37 (hg19) VCF-style: chr17-8215389-C-T.
Other names: c.32C>T, p.Pro11Leu (NM_025014.2); short protein forms P11L.
Identifiers: ClinVar variation 1398951 (VCV001398951.7), dbSNP rs753043864, ClinGen allele CA8374760.